The following is an entry in ClinVar:

NM_024757.5(EHMT1):c.1752G>T (p.Lys584Asn)

Gene: EHMT1 (euchromatic histone lysine methyltransferase 1; plus strand). Cytogenetic location: 9q34.3.
Variant type: single nucleotide variant.
Coding change: c.1752G>T on transcript NM_024757.5 (MANE Select); coding-DNA position 1752, G replaced by T.
Protein change: p.Lys584Asn; replaces lysine 584 with asparagine.
Molecular consequence: missense variant.
Genome position (GRCh38, 1-based): chr9:137,775,213, G>T. VCF-style: chr9-137775213-G-T. GRCh37 (hg19) VCF-style: chr9-140669665-G-T.
Other names: c.1752G>T, p.Lys584Asn (NM_001145527.2); c.1659G>T, p.Lys553Asn (NM_001354259.2); c.1731G>T, p.Lys577Asn (NM_001354263.2); short protein forms K584N, K553N, K577N.
Identifiers: ClinVar variation 424480 (VCV000424480.3), dbSNP rs1064796992, ClinGen allele CA16618817.

ClinVar aggregate classification (germline): Uncertain significance (1 of 4 stars; one submission).

Submission:

GeneDx
Classification: Uncertain significance. Last evaluated: 2024-04-10. Review status: criteria provided, single submitter. Criteria: GeneDx Variant Classification Process June 2021. Collection method: clinical testing. Allele origin: germline. Affected: yes.
Comment: Not observed at significant frequency in large population cohorts (gnomAD); In silico analysis supports that this missense variant has a deleterious effect on protein structure/function; Has not been previously published as pathogenic or benign to our knowledge